The following is an entry in ClinVar:

ClinVar aggregate classification (germline): Benign/Likely benign. Review status: criteria provided, multiple submitters, no conflicts (2 of 4 stars). 10 submissions from 7 submitters: Benign (2); Likely benign (8). Last evaluated 2024-04-02.

Conditions:
Congenital myopathy 18. Also called: DIHYDROPYRIDINE RECEPTOR CONGENITAL MYOPATHY; DHPR CONGENITAL MYOPATHY; Myopathy, congenital, due to dihydropyridine receptor defect. Identifiers: MedGen C5830283, MONDO:0859514, OMIM 620246.
Malignant hyperthermia, susceptibility to, 5 (MHS5). Also called: CACNA1S-Related Malignant Hyperthermia Susceptibility. Identifiers: Orphanet 423, MedGen C1866077, MONDO:0011163, OMIM 601887.
Hypokalemic periodic paralysis, type 1. Also called: Hypokalemic Periodic Paralysis Type 1 (AD); HypoPP. Identifiers: Orphanet 681, MedGen C3714580, MONDO:0042979, OMIM 170400.
Thyrotoxic periodic paralysis, susceptibility to, 1 (TTPP1). Identifiers: Orphanet 79102, MedGen C2749982, MONDO:0008570, OMIM 188580.

Allele frequency attached by ClinVar (database versions not stated): gnomAD 0.00001 and 0.00002; TOPMed 0.00001; gnomAD exomes 0.00006 and 0.00009; ESP Exome Variant Server 0.00008; ExAC 0.00013.
gnomAD v4.1: 93 of 1,613,842 alleles (0.0058%); highest among the groups gnomAD compares: South Asian, 0.093%; 1 homozygote.

Submissions (10):

Labcorp Genetics (formerly Invitae), Labcorp
Classification: Benign for Hypokalemic periodic paralysis, type 1; Malignant hyperthermia, susceptibility to, 5. Last evaluated: 2024-04-02. Review status: criteria provided, single submitter. Criteria: Invitae Variant Classification Sherloc (09022015). Collection method: clinical testing. Allele origin: germline.

All of Us Research Program, National Institutes of Health
Classification: Likely benign for Malignant hyperthermia, susceptibility to, 5. Last evaluated: 2023-12-13. Review status: criteria provided, single submitter. Criteria: ACMG Guidelines, 2015. Collection method: clinical testing. Allele origin: germline. Inheritance: Autosomal dominant inheritance. Observed: 9 variant alleles, 9 heterozygotes.
Comment: This study involves interpretation of variants in research participants for the purpose of population health screening. Participant phenotype was not available at the time of variant classification. Additional details can be found in publication PMID: 35346344, PMCID: PMC8962531

Genome-Nilou Lab
Classification: Likely benign for Malignant hyperthermia, susceptibility to, 5. Last evaluated: 2023-04-11. Review status: criteria provided, single submitter. Criteria: ACMG Guidelines, 2015. Collection method: clinical testing. Allele origin: germline. Affected: no.

Genome-Nilou Lab
Classification: Likely benign for Thyrotoxic periodic paralysis, susceptibility to, 1. Last evaluated: 2023-04-11. Review status: criteria provided, single submitter. Criteria: ACMG Guidelines, 2015. Collection method: clinical testing. Allele origin: germline. Affected: no.

Genome-Nilou Lab
Classification: Likely benign for Congenital myopathy 18. Last evaluated: 2023-04-11. Review status: criteria provided, single submitter. Criteria: ACMG Guidelines, 2015. Collection method: clinical testing. Allele origin: germline. Affected: no.

Genome-Nilou Lab
Classification: Likely benign for Hypokalemic periodic paralysis, type 1. Last evaluated: 2023-04-11. Review status: criteria provided, single submitter. Criteria: ACMG Guidelines, 2015. Collection method: clinical testing. Allele origin: germline. Affected: no.

Color Diagnostics, LLC DBA Color Health
Classification: Likely benign for Malignant hyperthermia, susceptibility to, 5. Last evaluated: 2022-09-20. Review status: criteria provided, single submitter. Criteria: ACMG Guidelines, 2015. Collection method: clinical testing. Allele origin: germline.

Fulgent Genetics
Classification: Likely benign for Hypokalemic periodic paralysis, type 1; Thyrotoxic periodic paralysis, susceptibility to, 1; Malignant hyperthermia, susceptibility to, 5. Last evaluated: 2022-02-24. Review status: criteria provided, single submitter. Criteria: ACMG Guidelines, 2015. Collection method: clinical testing. Allele origin: unknown.

Blueprint Genetics
Classification: Likely benign. Last evaluated: 2021-10-26. Review status: criteria provided, single submitter. Criteria: ACMG Guidelines, 2015. Collection method: clinical testing. Allele origin: germline.

Breakthrough Genomics
Classification: Benign. Review status: criteria provided, single submitter. Criteria: ACMG Guidelines, 2015. Collection method: not provided. Allele origin: germline. Inheritance: Autosomal dominant inheritance. Affected: yes.

NM_000069.3(CACNA1S):c.2922G>A (p.Val974=)

Gene: CACNA1S (calcium voltage-gated channel subunit alpha1 S; minus strand). Cytogenetic location: 1q32.1.
Variant type: single nucleotide variant.
Coding change: c.2922G>A on transcript NM_000069.3 (MANE Select); coding-DNA position 2922, G replaced by A.
Protein change: p.Val974=; no amino-acid change (valine 974 retained).
Molecular consequence: synonymous variant.
Genome position (GRCh38, 1-based): chr1:201,062,075, C>T on the plus strand (G>A on the coding strand, the complement: CACNA1S is on the minus strand). VCF-style: chr1-201062075-C-T. GRCh37 (hg19) VCF-style: chr1-201031203-C-T.
Identifiers: ClinVar variation 1167463 (VCV001167463.16), dbSNP rs377715551, ClinGen allele CA079422.